The following is an entry in ClinVar:

NM_003743.5(NCOA1):c.2241G>T (p.Gln747His)

Gene: NCOA1 (nuclear receptor coactivator 1; plus strand). Cytogenetic location: 2p23.3.
Variant type: single nucleotide variant.
Coding change: c.2241G>T on transcript NM_003743.5 (MANE Select); coding-DNA position 2241, G replaced by T.
Protein change: p.Gln747His; replaces glutamine 747 with histidine.
Molecular consequence: missense variant.
Genome position (GRCh38, 1-based): chr2:24,707,711, G>T. VCF-style: chr2-24707711-G-T. GRCh37 (hg19) VCF-style: chr2-24930580-G-T.
Other names: c.2241G>T, p.Gln747His (NM_001362950.1, NM_001362952.1, NM_001362954.1 and 3 more transcripts); short protein forms Q747H.
Identifiers: ClinVar variation 4987967 (VCV004987967.1).

ClinVar aggregate classification (germline): Uncertain significance (1 of 4 stars; one submission).

Conditions:
NCOA1-related disorder. Also called: NCOA1-related condition.

gnomAD v4.1: 8 of 1,614,118 alleles (0.0005%); highest among the groups gnomAD compares: Middle Eastern, 0.016%; no homozygotes.

Submission:

PreventionGenetics, part of Exact Sciences
Classification: Uncertain significance for NCOA1-related condition. Last evaluated: 2026-05-01. Review status: criteria provided, single submitter. Criteria: ACMG Guidelines, 2015. Collection method: clinical testing. Allele origin: germline.
Comment: The NCOA1 c.2241G>T variant is predicted to result in the amino acid substitution p.Gln747His. To our knowledge, this variant has not been reported in the literature. This variant is reported in 0.013% of alleles in individuals of South Asian descent in gnomAD. At this time, the clinical significance of this variant is uncertain due to the absence of conclusive functional and genetic evidence.